The following is an entry in ClinVar:

ClinVar aggregate classification (germline): not provided (0 of 4 stars; one submission).

Conditions:
Normal pregnancy. Identifiers: MedGen C0232989.

Submission:

Institute of Molecular and Cell Biology, University of Tartu
No classification provided. Condition: Normal pregnancy. Review status: no classification provided. Collection method: case-control. Allele origin: unknown. Affected: yes. Study: Kasak2014.
Comment: The study aimed to determine the contribution of copy number variants in the genetic etiology of normal and complicated pregnancies. The samples represented (i) maternal blood DNA drawn from healthy pregnant women during 1st or 2nd trimester and (ii) maternal and paternal blood DNA drawn at term pregnancy cases representing normal and complicated gestations (severe preeclampsia, PE; gestational diabetes, GD; small-for-gestational age newborn, SGA; large-for-gestational age newborn, LGA). We performed CNV calling based on genome-wide genotyping dataset (Illumina HumanOmniExpress-24-v1 BeadChip) by applying three algorithms, QuantiSNP, GADA (Genome Alteration Detection Algorithm) and CNstream in parallel. The acquired CNV calls were merged with HD-CNV (Hotspot Detector for Copy Number Variants) program and only the CNVs predicted by at least two programs, were considered in subsequent analysis.

Literature cited by the submitters: PubMed 25666259.

NR_024159.1(DGCR9):n.-160715_2762del

Genes: DGCR5 (DiGeorge syndrome critical region gene 5; plus strand), DGCR6 (DiGeorge syndrome critical region gene 6; plus strand), FAM230F (family with sequence similarity 230 member F; minus strand), HSERVPRODH (human-specific endogenous retroviral insert PRODH enhancer; plus strand), PRODH (proline dehydrogenase 1; minus strand) and 1 more. Cytogenetic location: 22q11.21.
Variant type: Deletion.
Identifiers: ClinVar variation 157472 (VCV000157472.2).